The following is an entry in ClinVar:

ClinVar aggregate classification (germline): Uncertain significance. Review status: criteria provided, multiple submitters, no conflicts (2 of 4 stars). 4 submissions from 4 submitters: Uncertain significance (3). 1 of the submissions does not count toward it. Last evaluated 2025-11-12.

Conditions:
Wolfram syndrome 1 (WFS1). Identifiers: Orphanet 3463, MedGen C4551693, MONDO:0009101, OMIM 222300.
Cataract 41 (CTRCT41). Also called: CATARACT 41, CONGENITAL NUCLEAR TYPE. Identifiers: Orphanet 91492, Orphanet 98991, Orphanet 98992, Orphanet 98995, MedGen C3805412, MONDO:0007287, OMIM 116400.
Autosomal dominant nonsyndromic hearing loss 6 (LFSNHL). Also called: DEAFNESS, AUTOSOMAL DOMINANT 14; DEAFNESS, AUTOSOMAL DOMINANT 38; Autosomal dominant nonsyndromic deafness 6; DEAFNESS, AUTOSOMAL DOMINANT 6. Identifiers: Orphanet 90635, MedGen C1833021, MONDO:0010963, OMIM 600965.
Wolfram-like syndrome. Also called: HEARING LOSS, PROGRESSIVE, WITH OPTIC ATROPHY AND/OR IMPAIRED GLUCOSE REGULATION. Identifiers: Orphanet 411590, MedGen C3280358, MONDO:0013673, OMIM 614296.
Type 2 diabetes mellitus. Also called: Type II diabetes mellitus. Identifiers: MedGen C0011860, MeSH D003924, MONDO:0005148, OMIM 125853, HP:0005978.
Inborn genetic diseases. Identifiers: MedGen C0950123, MeSH D030342.

Allele frequency attached by ClinVar (database versions not stated): gnomAD 0.00001; gnomAD exomes 0.00001 and 0.00002; TOPMed 0.00001; ExAC 0.00002; ESP Exome Variant Server 0.00008.
gnomAD v4.1: 32 of 1,605,008 alleles (0.002%); highest among the groups gnomAD compares: Non-Finnish European, 0.0026%; no homozygotes.

Submissions (4):

Labcorp Genetics (formerly Invitae), Labcorp
Classification: Uncertain significance. Last evaluated: 2025-11-12. Review status: criteria provided, single submitter. Criteria: Invitae Variant Classification Sherloc (09022015). Collection method: clinical testing. Allele origin: germline.
Comment: This sequence change replaces arginine, which is basic and polar, with histidine, which is basic and polar, at codon 832 of the WFS1 protein (p.Arg832His). The frequency data for this variant in the population databases is considered unreliable, as metrics indicate poor data quality at this position in the gnomAD database. This variant has not been reported in the literature in individuals affected with WFS1-related conditions. ClinVar contains an entry for this variant (Variation ID: 1050134). Invitae Evidence Modeling of protein sequence and biophysical properties (such as structural, functional, and spatial information, amino acid conservation, physicochemical variation, residue mobility, and thermodynamic stability) indicates that this missense variant is not expected to disrupt WFS1 protein function with a negative predictive value of 95%. In summary, the available evidence is currently insufficient to determine the role of this variant in disease. Therefore, it has been classified as a Variant of Uncertain Significance.

Ambry Genetics
Classification: Uncertain significance for Inborn genetic diseases. Last evaluated: 2025-09-25. Review status: criteria provided, single submitter. Criteria: Ambry Variant Classification Scheme 2023. Collection method: clinical testing. Allele origin: germline.

Fulgent Genetics
Classification: Uncertain significance for Cataract 41; Type 2 diabetes mellitus; Wolfram syndrome 1; Autosomal dominant nonsyndromic hearing loss 6; Wolfram-like syndrome. Last evaluated: 2024-05-01. Review status: criteria provided, single submitter. Criteria: ACMG Guidelines, 2015. Collection method: clinical testing. Allele origin: germline.

Department of Pathology and Laboratory Medicine, Sinai Health System
Classification: Uncertain significance. Review status: no assertion criteria provided. Collection method: clinical testing. Allele origin: unknown. Affected: yes. Study: The Canadian Open Genetics Repository (COGR). Not counted in ClinVar's aggregate classification.
Comment: The WFS1 p.Arg832His variant was not identified in the literature nor was it identified in ClinVar, Cosmic or LOVD 3.0. The variant was identified in dbSNP (ID: rs141816346) and in control databases in 3 of 279266 chromosomes at a frequency of 0.000011 (Genome Aggregation Database Feb 27, 2017). The variant was observed in the European (non-Finnish) population in 3 of 127370 chromosomes (freq: 0.000024), but not in the African, Latino, Ashkenazi Jewish, East Asian, European (Finnish), Other or South Asian populations. The p.Arg832 residue is conserved in mammals and computational analyses (PolyPhen-2, SIFT, AlignGVGD, BLOSUM, MutationTaster) provide inconsistent predictions regarding the impact to the protein; this information is not very predictive of pathogenicity. The variant occurs outside of the splicing consensus sequence and in silico or computational prediction software programs (SpliceSiteFinder, MaxEntScan, NNSPLICE, GeneSplicer) do not predict a difference in splicing. In summary, based on the above information the clinical significance of this variant cannot be determined with certainty at this time. This variant is classified as a variant of uncertain significance.

NM_006005.3(WFS1):c.2495G>A (p.Arg832His)

Gene: WFS1 (wolframin ER transmembrane glycoprotein; plus strand). Cytogenetic location: 4p16.1.
Variant type: single nucleotide variant.
Coding change: c.2495G>A on transcript NM_006005.3 (MANE Select); coding-DNA position 2495, G replaced by A.
Protein change: p.Arg832His; replaces arginine 832 with histidine.
Molecular consequence: missense variant.
Genome position (GRCh38, 1-based): chr4:6,302,290, G>A. VCF-style: chr4-6302290-G-A. GRCh37 (hg19) VCF-style: chr4-6304017-G-A.
Other names: c.2495G>A, p.Arg832His (NM_001145853.1); short protein forms R832H.
Identifiers: ClinVar variation 1050134 (VCV001050134.8), dbSNP rs141816346, ClinGen allele CA2839756.
Genomic context (GRCh38, chr4:6,302,290, plus strand): 5'-GCGTGCTGCTCAGCCTGCGCCAGGGCAGCCTCATCGAGTTCAGCACCATCCTGGAGGGCC[G>A]CCTGGGCAGCAAGTGGCCTGTCTTCGAGCTCAAGGCCATCAGCTGCCTCAACTGCATGGC-3'
Protein context (NP_005996.2, residues 822-842): LIEFSTILEG[Arg832His]LGSKWPVFEL